The following is an entry in ClinVar:

GRCh37/hg19 7q35-36.3(chr7:146927174-159128556)x3

Genes: ABCB8 (ATP binding cassette subfamily B member 8; plus strand), ABCF2 (ATP binding cassette subfamily F member 2; minus strand), ACTR3B (actin related protein 3B; plus strand), ACTR3C (actin related protein 3C; minus strand), AGAP3 (ArfGAP with GTPase domain, ankyrin repeat and PH domain 3; plus strand) and 77 more. Cytogenetic location: 7q35-36.3.
Variant type: copy number gain.
Change: copy number 3 (three copies instead of two) of chr7:146,927,174-159,128,556 (12.20 Mb, GRCh37 coordinates, 1-based), cytogenetic band 7q35-36.3.
Identifiers: ClinVar variation 1341970 (VCV001341970.2).

ClinVar aggregate classification (germline): Pathogenic. Review status: criteria provided, single submitter (1 of 4 stars). 2 submissions from 1 submitter: Pathogenic (1). Last evaluated 2022-02-02.

Submission:

Centro Nacional de Genética Medica, Administración Nacional de Laboratorios e Institutos de Salud (ANLIS) “Dr. Carlos G Malbrán”
Classification: Pathogenic. Last evaluated: 2022-02-02. Review status: criteria provided, single submitter. Criteria: ACMG/ClinGen CNV Guidelines, 2019. Collection method: clinical testing. Allele origin: germline. Affected: yes.